The following is an entry in ClinVar:

NM_001365276.2(TNXB):c.4523A>G (p.Tyr1508Cys)

Gene: TNXB (tenascin XB; minus strand). Cytogenetic location: 6p21.33.
Variant type: single nucleotide variant.
Coding change: c.4523A>G on transcript NM_001365276.2 (MANE Select); coding-DNA position 4523, A replaced by G.
Protein change: p.Tyr1508Cys; replaces tyrosine 1508 with cysteine.
Molecular consequence: missense variant.
Genome position (GRCh38, 1-based): chr6:32,073,805, T>C on the plus strand (A>G on the coding strand, the complement: TNXB is on the minus strand). VCF-style: chr6-32073805-T-C. GRCh37 (hg19) VCF-style: chr6-32041582-T-C.
Other names: c.4523A>G, p.Tyr1508Cys (NM_019105.8); short protein forms Y1508C.
Identifiers: ClinVar variation 2565761 (VCV002565761.3), dbSNP rs1778916771, ClinGen allele CA363424563.

ClinVar aggregate classification (germline): Uncertain significance. Review status: criteria provided, multiple submitters, no conflicts (2 of 4 stars). 2 submissions from 2 submitters: Uncertain significance (2). Last evaluated 2023-06-03.

Conditions:
Cardiovascular phenotype. Identifiers: MedGen CN230736.

Allele frequency attached by ClinVar (database versions not stated): gnomAD exomes below 0.00001.
gnomAD v4.1: 1 of 1,612,798 alleles (0.000062%); highest among the groups gnomAD compares: Non-Finnish European, 0.000085%; no homozygotes.

Submissions (2):

Ambry Genetics
Classification: Uncertain significance for Cardiovascular phenotype. Last evaluated: 2023-06-03. Review status: criteria provided, single submitter. Criteria: Ambry Variant Classification Scheme 2023. Collection method: clinical testing. Allele origin: germline.
Comment: The p.Y1508C variant (also known as c.4523A>G), located in coding exon 11 of the TNXB gene, results from an A to G substitution at nucleotide position 4523. The tyrosine at codon 1508 is replaced by cysteine, an amino acid with highly dissimilar properties. This amino acid position is conserved. In addition, the in silico prediction for this alteration is inconclusive. Since supporting evidence is limited at this time, the clinical significance of this alteration remains unclear.

GeneDx
Classification: Uncertain significance. Last evaluated: 2023-03-27. Review status: criteria provided, single submitter. Criteria: GeneDx Variant Classification Process June 2021. Collection method: clinical testing. Allele origin: germline. Affected: yes.
Comment: Has not been previously published as pathogenic or benign to our knowledge; Not observed at significant frequency in large population cohorts (gnomAD); In silico analysis supports that this missense variant has a deleterious effect on protein structure/function